The following is an entry in ClinVar:

ClinVar aggregate classification (germline): Uncertain significance (1 of 4 stars; one submission).

Conditions:
Episodic ataxia type 1 (EA1). Also called: ATAXIA, EPISODIC, WITH MYOKYMIA; Episodic ataxia/myokymia syndrome; MYOKYMIA WITH PERIODIC ATAXIA; PAROXYSMAL ATAXIA WITH NEUROMYOTONIA, HEREDITARY. Identifiers: Orphanet 37612, Orphanet 972, MedGen C1719788, MONDO:0008047, OMIM 160120.

Submission:

Labcorp Genetics (formerly Invitae), Labcorp
Classification: Uncertain significance for Episodic ataxia type 1. Last evaluated: 2023-09-20. Review status: criteria provided, single submitter. Criteria: Invitae Variant Classification Sherloc (09022015). Collection method: clinical testing. Allele origin: germline.
Comment: In summary, the available evidence is currently insufficient to determine the role of this variant in disease. Therefore, it has been classified as a Variant of Uncertain Significance. Advanced modeling of protein sequence and biophysical properties (such as structural, functional, and spatial information, amino acid conservation, physicochemical variation, residue mobility, and thermodynamic stability) performed at Invitae indicates that this missense variant is not expected to disrupt KCNA1 protein function. This variant has not been reported in the literature in individuals affected with KCNA1-related conditions. This variant is not present in population databases (gnomAD no frequency). This sequence change replaces aspartic acid, which is acidic and polar, with asparagine, which is neutral and polar, at codon 90 of the KCNA1 protein (p.Asp90Asn).

NM_000217.3(KCNA1):c.268G>A (p.Asp90Asn)

Gene: KCNA1 (potassium voltage-gated channel subfamily A member 1; plus strand). Cytogenetic location: 12p13.32.
Variant type: single nucleotide variant.
Coding change: c.268G>A on transcript NM_000217.3 (MANE Select); coding-DNA position 268, G replaced by A.
Protein change: p.Asp90Asn; replaces aspartic acid 90 with asparagine.
Molecular consequence: missense variant.
Genome position (GRCh38, 1-based): chr12:4,911,646, G>A. VCF-style: chr12-4911646-G-A. GRCh37 (hg19) VCF-style: chr12-5020812-G-A.
Other names: short protein forms D90N.
Identifiers: ClinVar variation 2884512 (VCV002884512.3), dbSNP rs2497351832, ClinGen allele CA383454176.
Genomic context (GRCh38, chr12:4,911,646, plus strand): 5'-ATGCGCTACTTCGACCCCCTGAGGAACGAGTACTTCTTCGACCGCAACCGGCCCAGCTTC[G>A]ACGCCATCCTCTACTACTACCAGTCCGGCGGCCGCCTGCGGAGGCCGGTCAACGTGCCCC-3'
Protein context (NP_000208.2, residues 80-100): YFFDRNRPSF[Asp90Asn]AILYYYQSGG